The following is an entry in ClinVar:

NM_018127.7(ELAC2):c.1690C>T (p.Arg564Cys)

Gene: ELAC2 (elaC ribonuclease Z 2; minus strand). Cytogenetic location: 17p12.
Variant type: single nucleotide variant.
Coding change: c.1690C>T on transcript NM_018127.7 (MANE Select); coding-DNA position 1690, C replaced by T.
Protein change: p.Arg564Cys; replaces arginine 564 with cysteine.
Molecular consequence: missense variant.
Genome position (GRCh38, 1-based): chr17:12,995,948, G>A on the plus strand (C>T on the coding strand, the complement: ELAC2 is on the minus strand). VCF-style: chr17-12995948-G-A. GRCh37 (hg19) VCF-style: chr17-12899265-G-A.
Other names: c.1570C>T, p.Arg524Cys (NM_001165962.2); c.1687C>T, p.Arg563Cys (NM_173717.2); short protein forms R524C, R564C, R563C.
Identifiers: ClinVar variation 2164483 (VCV002164483.1), dbSNP rs1200695722, ClinGen allele CA398223745.

ClinVar aggregate classification (germline): Uncertain significance (1 of 4 stars; one submission).

Conditions:
Combined oxidative phosphorylation defect type 17. Also called: Combined oxidative phosphorylation deficiency 17. Identifiers: Orphanet 369913, MedGen C3809526, MONDO:0014190, OMIM 615440.

Allele frequency attached by ClinVar (database versions not stated): gnomAD exomes 0.00001; gnomAD 0.00002; TOPMed 0.00002.
gnomAD v4.1: 20 of 1,596,250 alleles (0.0013%); highest among the groups gnomAD compares: East Asian, 0.0068%; no homozygotes.

Submission:

Labcorp Genetics (formerly Invitae), Labcorp
Classification: Uncertain significance for Combined oxidative phosphorylation defect type 17. Last evaluated: 2022-09-27. Review status: criteria provided, single submitter. Criteria: Invitae Variant Classification Sherloc (09022015). Collection method: clinical testing. Allele origin: germline.
Comment: This sequence change replaces arginine, which is basic and polar, with cysteine, which is neutral and slightly polar, at codon 564 of the ELAC2 protein (p.Arg564Cys). The frequency data for this variant in the population databases is considered unreliable, as metrics indicate poor data quality at this position in the gnomAD database. This variant has not been reported in the literature in individuals affected with ELAC2-related conditions. Advanced modeling of protein sequence and biophysical properties (such as structural, functional, and spatial information, amino acid conservation, physicochemical variation, residue mobility, and thermodynamic stability) performed at Invitae indicates that this missense variant is expected to disrupt ELAC2 protein function. In summary, the available evidence is currently insufficient to determine the role of this variant in disease. Therefore, it has been classified as a Variant of Uncertain Significance.